The following is an entry in ClinVar:

ClinVar aggregate classification (germline): Uncertain significance (1 of 4 stars; one submission).

gnomAD v4.1: 147 of 1,291,986 alleles (0.011%); highest among the groups gnomAD compares: Non-Finnish European, 0.014%; no homozygotes.

Submission:

Labcorp Genetics (formerly Invitae), Labcorp
Classification: Uncertain significance. Last evaluated: 2024-12-24. Review status: criteria provided, single submitter. Criteria: Invitae Variant Classification Sherloc (09022015). Collection method: clinical testing. Allele origin: germline.
Comment: This sequence change replaces proline, which is neutral and non-polar, with threonine, which is neutral and polar, at codon 48 of the LRRK1 protein (p.Pro48Thr). This variant is not present in population databases (gnomAD no frequency). This variant has not been reported in the literature in individuals affected with LRRK1-related conditions. ClinVar contains an entry for this variant (Variation ID: 2768510). An algorithm developed to predict the effect of missense changes on protein structure and function (PolyPhen-2) suggests that this variant is likely to be tolerated. In summary, the available evidence is currently insufficient to determine the role of this variant in disease. Therefore, it has been classified as a Variant of Uncertain Significance.

NM_024652.6(LRRK1):c.142C>A (p.Pro48Thr)

Gene: LRRK1 (leucine rich repeat kinase 1; plus strand). Cytogenetic location: 15q26.3.
Variant type: single nucleotide variant.
Coding change: c.142C>A on transcript NM_024652.6 (MANE Select); coding-DNA position 142, C replaced by A.
Protein change: p.Pro48Thr; replaces proline 48 with threonine.
Molecular consequence: missense variant.
Genome position (GRCh38, 1-based): chr15:100,973,848, C>A. VCF-style: chr15-100973848-C-A. GRCh37 (hg19) VCF-style: chr15-101514053-C-A.
Other names: short protein forms P48T.
Identifiers: ClinVar variation 2768510 (VCV002768510.3), dbSNP rs777607829, ClinGen allele CA7760506.